The following is an entry in ClinVar:

NM_001348716.2(KDM6B):c.4560C>G (p.Asn1520Lys)

Genes: KDM6B (lysine demethylase 6B; plus strand), LOC121587574 (Sharpr-MPRA regulatory region 3930; plus strand). Cytogenetic location: 17p13.1.
Variant type: single nucleotide variant.
Coding change: c.4560C>G on transcript NM_001348716.2 (MANE Select); coding-DNA position 4560, C replaced by G.
Protein change: p.Asn1520Lys; replaces asparagine 1520 with lysine.
Molecular consequence: missense variant.
Genome position (GRCh38, 1-based): chr17:7,852,586, C>G. VCF-style: chr17-7852586-C-G. GRCh37 (hg19) VCF-style: chr17-7755904-C-G.
Other names: c.4560C>G, p.Asn1520Lys (NM_001080424.2); short protein forms N1520K.
Identifiers: ClinVar variation 2580503 (VCV002580503.1), dbSNP rs143489614, ClinGen allele CA397928064.

ClinVar aggregate classification (germline): Uncertain significance (1 of 4 stars; one submission).

Submission:

GeneDx
Classification: Uncertain significance. Last evaluated: 2023-03-20. Review status: criteria provided, single submitter. Criteria: GeneDx Variant Classification Process June 2021. Collection method: clinical testing. Allele origin: germline. Affected: yes.
Comment: Not observed at significant frequency in large population cohorts (gnomAD); In silico analysis supports that this missense variant has a deleterious effect on protein structure/function; Has not been previously published as pathogenic or benign to our knowledge